The following is an entry in ClinVar:

NM_001374828.1(ARID1B):c.1170CGG[11] (p.Gly402_Ser403insGlyGlyGly)

Gene: ARID1B (AT-rich interaction domain 1B; plus strand). Cytogenetic location: 6q25.3.
Variant type: Microsatellite.
Coding change: c.1170CGG[11] on transcript NM_001374828.1 (MANE Select); 11 copies in a row of the 3-base unit CGG starting at c.1170; the reference has eight copies in a row; three copies, 9 bases duplicated.
Protein change: p.Gly402_Ser403insGlyGlyGly.
Molecular consequence: inframe insertion.
Genome position (GRCh38, 1-based): chr6:156,778,865-156,778,873, CGGCGGCGG duplicated; duplicating any 9 consecutive bases within chr6:156,778,848-156,778,873 gives the same sequence; the position shown is the placement nearest the transcript's 3' end. VCF-style (leftmost placement, unchanged base first): chr6-156778847-G-GGGCGGCGGC. GRCh37 (hg19) VCF-style: chr6-157099981-G-GGGCGGCGGC.
Other names: c.936_944dup9 (NM_020732.3); c.1170CGG[11], p.Gly402_Ser403insGlyGlyGly (NM_001371656.1, NM_001374820.1, NM_017519.3).
Identifiers: ClinVar variation 2038419 (VCV002038419.6), dbSNP rs587779747, ClinGen allele CA821297903.
Genomic context (GRCh38, chr6:156,778,847, plus strand): 5'-CCACGAAGGGTACCCCAACAGCCAGTGCAACCATTATCCGGGCTACAGCCGGCCCGGCGC[G>GGGCGGCGGC]GGCGGCGGCGGCGGCGGCGGCGGCGGAGGAGGAGGAGGCAGCGGAGGAGGAGGAGGAGGA-3'

ClinVar aggregate classification (germline): Conflicting classifications of pathogenicity. Review status: criteria provided, conflicting classifications (1 of 4 stars). 3 submissions from 3 submitters: Uncertain significance (1); Likely benign (2). Last evaluated 2024-11-02.

Conditions:
ARID1B-Related Disorder. Identifiers: MedGen CN381337.

Submissions (3):

Labcorp Genetics (formerly Invitae), Labcorp
Classification: Likely benign. Last evaluated: 2024-11-02. Review status: criteria provided, single submitter. Criteria: Invitae Variant Classification Sherloc (09022015). Collection method: clinical testing. Allele origin: germline.

Blueprint Genetics
Classification: Likely benign. Last evaluated: 2024-10-02. Review status: criteria provided, single submitter. Criteria: ACMG Guidelines, 2015. Collection method: clinical testing. Allele origin: germline.

PreventionGenetics, part of Exact Sciences
Classification: Uncertain significance for ARID1B-related condition. Last evaluated: 2022-10-21. Review status: criteria provided, single submitter. Criteria: ACMG Guidelines, 2015. Collection method: clinical testing. Allele origin: germline.
Comment: The ARID1B c.936_944dup9 variant is predicted to result in an in-frame duplication (p.Gly317_Gly319dup). To our knowledge, this variant has not been reported in the literature or in a large population database, indicating this variant is rare. At this time, the clinical significance of this variant is uncertain due to the absence of conclusive functional and genetic evidence.